The following is an entry in ClinVar:

ClinVar aggregate classification (germline): Uncertain significance (1 of 4 stars; one submission).

Conditions:
Inborn genetic diseases. Identifiers: MedGen C0950123, MeSH D030342.

Submission:

Ambry Genetics
Classification: Uncertain significance for Inborn genetic diseases. Last evaluated: 2026-01-20. Review status: criteria provided, single submitter. Criteria: Ambry Variant Classification Scheme 2023. Collection method: clinical testing. Allele origin: germline.
Comment: The p.N401S variant (also known as c.1202A>G), located in coding exon 7 of the FANCM gene, results from an A to G substitution at nucleotide position 1202. The asparagine at codon 401 is replaced by serine, an amino acid with highly similar properties. This amino acid position is conserved. In addition, this alteration is predicted to be tolerated by in silico analysis. Based on the available evidence, the clinical significance of this variant remains unclear.

NM_020937.4(FANCM):c.1202A>G (p.Asn401Ser)

Gene: FANCM (FA complementation group M; plus strand). Cytogenetic location: 14q21.2.
Variant type: single nucleotide variant.
Coding change: c.1202A>G on transcript NM_020937.4 (MANE Select); coding-DNA position 1202, A replaced by G.
Protein change: p.Asn401Ser; replaces asparagine 401 with serine.
Molecular consequence: missense variant.
Genome position (GRCh38, 1-based): chr14:45,154,715, A>G. VCF-style: chr14-45154715-A-G. GRCh37 (hg19) VCF-style: chr14-45623918-A-G.
Other names: c.1124A>G, p.Asn375Ser (NM_001308133.2); c.1202A>G, p.Asn401Ser (NM_001308134.2); short protein forms N401S, N375S.
Identifiers: ClinVar variation 4844541 (VCV004844541.1).